The following is an entry in ClinVar:

ClinVar aggregate classification (germline): Likely benign (1 of 4 stars; one submission).

Conditions:
Neurofibromatosis, type 1 (NF1). Also called: VON RECKLINGHAUSEN DISEASE; NEUROFIBROMATOSIS, TYPE I, SOMATIC; Peripheral type neurofibromatosis; Neurofibromatosis, type I. Identifiers: Orphanet 636, MedGen C0027831, MONDO:0018975, OMIM 162200. Disease mechanism: loss of function.

Submission:

Myriad Genetics, Inc.
Classification: Likely benign for Neurofibromatosis, type 1. Last evaluated: 2026-05-13. Review status: criteria provided, single submitter. Criteria: Myriad Autosomal Dominant, Autosomal Recessive and X-Linked Classification Criteria (2023). Collection method: clinical testing. Allele origin: unknown.
Comment: This variant is considered likely benign. This variant is intronic and is not expected to impact mRNA splicing.

NM_001042492.3(NF1):c.4111-17_4111-16delinsCT

Gene: NF1 (neurofibromin 1; plus strand). Cytogenetic location: 17q11.2.
Variant type: Indel.
Coding change: c.4111-17_4111-16delinsCT on transcript NM_001042492.3 (MANE Select); 17 bases into the intron before coding-DNA position 4111 through 16 bases into the intron before coding-DNA position 4111, TC replaced by CT.
Molecular consequence: intron variant.
Genome position (GRCh38, 1-based): chr17:31,252,921-31,252,922, TC replaced by CT. VCF-style: chr17-31252921-TC-CT. GRCh37 (hg19) VCF-style: chr17-29579939-TC-CT.
Other names: c.4110+3802_4110+3803delinsCT (NM_000267.4).
Identifiers: ClinVar variation 4876170 (VCV004876170.1).